The following is an entry in ClinVar:

ClinVar aggregate classification (germline): Benign/Likely benign. Review status: criteria provided, multiple submitters, no conflicts (2 of 4 stars). 4 submissions from 4 submitters: Benign (1); Likely benign (3). Last evaluated 2026-01-13.

Conditions:
BAP1-related tumor predisposition syndrome (TPDS1). Also called: TUMOR PREDISPOSITION SYNDROME 1; Tumor susceptibility linked to germline BAP1 mutations; COMMON Syndrome; BAP1 tumor predisposition syndrome. Identifiers: Orphanet 289539, MedGen C3280492, MONDO:0013692, OMIM 614327.
BAP1-related disorder. Also called: BAP1-related condition.

Allele frequency attached by ClinVar (database versions not stated): TOPMed 0.00004; gnomAD 0.00006 and 0.00011; gnomAD exomes 0.00016 and 0.00029; ExAC 0.00034; 1000 Genomes Project 0.00060; 1000 Genomes Project 30x 0.00078.
gnomAD v4.1: 261 of 1,613,050 alleles (0.016%); highest among the groups gnomAD compares: South Asian, 0.14%; 2 homozygotes.

Submissions (4):

Labcorp Genetics (formerly Invitae), Labcorp
Classification: Benign for BAP1-related tumor predisposition syndrome. Last evaluated: 2026-01-13. Review status: criteria provided, single submitter. Criteria: Invitae Variant Classification Sherloc (09022015). Collection method: clinical testing. Allele origin: germline.

CeGaT Center for Human Genetics Tuebingen
Classification: Likely benign. Last evaluated: 2025-12-01. Review status: criteria provided, single submitter. Criteria: CeGaT Center For Human Genetics Tuebingen Variant Classification Criteria Version 2. Collection method: clinical testing. Allele origin: germline. Affected: yes. Observed: 4 variant alleles.
Comment: BAP1: BS1

PreventionGenetics, part of Exact Sciences
Classification: Likely benign for BAP1-related condition. Last evaluated: 2025-06-18. Review status: criteria provided, single submitter. Criteria: ACMG Guidelines, 2015. Collection method: clinical testing. Allele origin: germline.
Comment: This variant is classified as likely benign based on ACMG/AMP sequence variant interpretation guidelines (Richards et al. 2015 PMID: 25741868, with internal and published modifications).

Center for Genomic Medicine, Rigshospitalet, Copenhagen University Hospital
Classification: Likely benign. Last evaluated: 2025-03-04. Review status: criteria provided, single submitter. Criteria: ACMG Guidelines, 2015. Collection method: clinical testing. Allele origin: germline.

NM_004656.4(BAP1):c.37+31G>C

Gene: BAP1 (BRCA1 associated deubiquitinase 1; minus strand). Cytogenetic location: 3p21.1.
Variant type: single nucleotide variant.
Coding change: c.37+31G>C on transcript NM_004656.4 (MANE Select); 31 bases into the intron after coding-DNA position 37, G replaced by C.
Molecular consequence: intron variant.
Genome position (GRCh38, 1-based): chr3:52,409,811, C>G on the plus strand (G>C on the coding strand, the complement: BAP1 is on the minus strand). VCF-style: chr3-52409811-C-G. GRCh37 (hg19) VCF-style: chr3-52443827-C-G.
Other names: c.37+31G>C (NM_004656.3).
Identifiers: ClinVar variation 1697575 (VCV001697575.35), dbSNP rs200628603, ClinGen allele CA2437254.
Genomic context (GRCh38, chr3:52,409,811, plus strand): 5'-GGGCGACAAGAGGAGGGGGTGATGGTCAGGCAGGCGCGTCCCGGGCCCATCCGGCCTCCC[C>G]AGCCCCTGGCCCTCCCGGTCCCCTCCTCACCTGGGTCGCTCTCCAGCTCCAGCCAGCCCT-3'